The following is an entry in ClinVar:

ClinVar aggregate classification (germline): Likely benign (1 of 4 stars; one submission).

Conditions:
Diaphanospondylodysostosis. Also called: VERTEBRAL OSSIFICATION, DEFECT IN, WITH NEPHROGENIC RESTS. Identifiers: Orphanet 66637, MedGen C1842691, MONDO:0011946, OMIM 608022.

Allele frequency attached by ClinVar (database versions not stated): 1000 Genomes Project 0.00200; TOPMed 0.00217; 1000 Genomes Project 30x 0.00250.

Submission:

Illumina Laboratory Services, Illumina
Classification: Likely benign for Diaphanospondylodysostosis. Last evaluated: 2018-01-13. Review status: criteria provided, single submitter. Criteria: ICSL Variant Classification Criteria 13 December 2019. Collection method: clinical testing. Allele origin: germline.
Comment: This variant was observed in the ICSL laboratory as part of a predisposition screen in an ostensibly healthy population. It had not been previously curated by ICSL or reported in the Human Gene Mutation Database (HGMD: prior to June 1st, 2018), and was therefore a candidate for classification through an automated scoring system. Utilizing variant allele frequency, disease prevalence and penetrance estimates, and inheritance mode, an automated score was calculated to assess if this variant is too frequent to cause the disease. Based on the score and internal cut-off values, a variant classified as likely benign is not then subjected to further curation. The score for this variant resulted in a classification of likely benign for this disease.

NM_001365308.1(BMPER):c.*975G>A

Gene: BMPER (BMP binding endothelial regulator; plus strand). Cytogenetic location: 7p14.3.
Variant type: single nucleotide variant.
Coding change: c.*975G>A on transcript NM_001365308.1 (MANE Select); 975 bases downstream of the stop codon, G replaced by A.
Molecular consequence: 3 prime UTR variant.
Genome position (GRCh38, 1-based): chr7:34,154,248, G>A. VCF-style: chr7-34154248-G-A. GRCh37 (hg19) VCF-style: chr7-34193860-G-A.
Other names: c.*975G>A (NM_133468.5).
Identifiers: ClinVar variation 909250 (VCV000909250.4), dbSNP rs181798979, ClinGen allele CA156273558.